The following is an entry in ClinVar:

NM_001042492.3(NF1):c.6040_6041del (p.Phe2014fs)

Gene: NF1 (neurofibromin 1; plus strand). Cytogenetic location: 17q11.2.
Variant type: Deletion.
Coding change: c.6040_6041del on transcript NM_001042492.3 (MANE Select); coding-DNA positions 6040 to 6041, 2 bases deleted (TT; older notation c.6040_6041delTT).
Protein change: p.Phe2014fs; shifts the reading frame from phenylalanine 2014.
Molecular consequence: frameshift variant.
Genome position (GRCh38, 1-based): chr17:31,336,366-31,336,367, TT deleted; deleting any 2 consecutive bases within chr17:31,336,365-31,336,367 gives the same sequence; the c. name uses the placement nearest the transcript's 3' end. VCF-style (leftmost placement, unchanged base first): chr17-31336364-GTT-G. GRCh37 (hg19) VCF-style: chr17-29663382-GTT-G.
Other names: c.5977_5978delTT, p.Phe1993Hisfs (NM_000267.4); short protein forms F1993fs, F2014fs.
Identifiers: ClinVar variation 3382245 (VCV003382245.2).

ClinVar aggregate classification (germline): Likely pathogenic (1 of 4 stars; one submission).

Conditions:
Neurofibromatosis, type 1 (NF1). Also called: Neurofibromatosis, type I; VON RECKLINGHAUSEN DISEASE; NEUROFIBROMATOSIS, TYPE I, SOMATIC; Peripheral type neurofibromatosis. Identifiers: Orphanet 636, MedGen C0027831, MONDO:0018975, OMIM 162200. Disease mechanism: loss of function.

Submission:

Juno Genomics, Hangzhou Juno Genomics, Inc
Classification: Likely pathogenic for Neurofibromatosis, type 1. Review status: criteria provided, single submitter. Criteria: ACMG Guidelines, 2015. Collection method: clinical testing. Allele origin: germline. Affected: yes.
Comment: Absent from controls (or at extremely low frequency if recessive) in Genome Aggregation Database, Exome Sequencing Project, 1000 Genomes Project, or Exome Aggregation Consortium.;Null variant in a gene where loss of function (LOF) is a known mechanism of disease.